The following is an entry in ClinVar:

NM_001267550.2(TTN):c.105950T>C (p.Val35317Ala)

Genes: TTN-AS1 (TTN antisense RNA 1; plus strand), TTN (titin; minus strand), LOC129935183 (ATAC-STARR-seq lymphoblastoid active region 16808; plus strand). Cytogenetic location: 2q31.2.
Variant type: single nucleotide variant.
Coding change: c.105950T>C on transcript NM_001267550.2 (MANE Select); coding-DNA position 105950, T replaced by C.
Protein change: p.Val35317Ala; replaces valine 35317 with alanine.
Molecular consequence: missense variant.
Genome position (GRCh38, 1-based): chr2:178,530,665, A>G on the plus strand (T>C on the coding strand, the complement: TTN is on the minus strand). VCF-style: chr2-178530665-A-G. GRCh37 (hg19) VCF-style: chr2-179395392-A-G.
Other names: c.101027T>C, p.Val33676Ala (NM_001256850.1); c.78755T>C, p.Val26252Ala (NM_003319.4); c.98246T>C, p.Val32749Ala (NM_133378.4); c.79130T>C, p.Val26377Ala (NM_133432.3); c.79331T>C, p.Val26444Ala (NM_133437.4); short protein forms V35317A, V26377A, V32749A, V26444A, V33676A, V26252A.
Identifiers: ClinVar variation 2941738 (VCV002941738.3), dbSNP rs765504674, ClinGen allele CA1985184.

ClinVar aggregate classification (germline): Uncertain significance (1 of 4 stars; one submission).

Conditions:
Dilated cardiomyopathy 1G (CMD1G). Identifiers: Orphanet 154, MedGen C1858763, MONDO:0011400, OMIM 604145.
Autosomal recessive limb-girdle muscular dystrophy type 2J (LGMDR10). Also called: Limb-girdle muscular dystrophy, type 2J; MUSCULAR DYSTROPHY, LIMB-GIRDLE, AUTOSOMAL RECESSIVE 10. Identifiers: Orphanet 140922, MedGen C1837342, MONDO:0012127, OMIM 608807.

Allele frequency attached by ClinVar (database versions not stated): gnomAD exomes below 0.00001; ExAC 0.00001.
gnomAD v4.1: 1 of 1,613,866 alleles (0.000062%); highest among the groups gnomAD compares: Non-Finnish European, 0.000085%; no homozygotes.

Submission:

Labcorp Genetics (formerly Invitae), Labcorp
Classification: Uncertain significance for Dilated cardiomyopathy 1G; Autosomal recessive limb-girdle muscular dystrophy type 2J. Last evaluated: 2025-05-23. Review status: criteria provided, single submitter. Criteria: Invitae Variant Classification Sherloc (09022015). Collection method: clinical testing. Allele origin: germline.
Comment: This sequence change replaces valine, which is neutral and non-polar, with alanine, which is neutral and non-polar, at codon 35317 of the TTN protein (p.Val35317Ala). This variant is present in population databases (rs765504674, gnomAD 0.0009%). This variant has not been reported in the literature in individuals affected with TTN-related conditions. ClinVar contains an entry for this variant (Variation ID: 2941738). Experimental studies and prediction algorithms are not available or were not evaluated, and the functional significance of this variant is currently unknown. This variant is located in the M band of TTN (PMID: 25589632). Non-truncating variants in this region may be relevant for neuromuscular disorders, but have not been definitively shown to cause cardiomyopathy (PMID: 23975875). In summary, the available evidence is currently insufficient to determine the role of this variant in disease. Therefore, it has been classified as a Variant of Uncertain Significance.

Literature cited by the submitters: PubMed 25589632; PubMed 23975875.